The following is an entry in ClinVar:

NM_001698.3(AUH):c.95del (p.Pro32fs)

Genes: AUH (AU RNA binding methylglutaconyl-CoA hydratase; minus strand), LOC130002059 (ATAC-STARR-seq lymphoblastoid silent region 20025; plus strand). Cytogenetic location: 9q22.31.
Variant type: Deletion.
Coding change: c.95del on transcript NM_001698.3 (MANE Select); coding-DNA position 95, one base deleted (C; older notation c.95delC).
Protein change: p.Pro32fs; shifts the reading frame from proline 32.
Molecular consequence: frameshift variant. On other transcripts: 5 prime UTR variant (3).
Genome position (GRCh38, 1-based): chr9:91,361,795, G deleted on the plus strand (C on the coding strand, the reverse complement: AUH is on the minus strand); the first of 3 consecutive G bases (chr9:91,361,795-91,361,797); deleting any one gives the same sequence. VCF-style (leftmost placement, unchanged base first): chr9-91361794-CG-C. GRCh37 (hg19) VCF-style: chr9-94124076-CG-C.
Other names: c.95del, p.Pro32fs (NM_001306190.2); c.-303del (NM_001351431.2, NM_001351433.2); c.-395del (NM_001351432.2); short protein forms P32fs.
Identifiers: ClinVar variation 3620179 (VCV003620179.2).
Genomic context (GRCh38, chr9:91,361,794, plus strand): 5'-CTGGGCCCAGATCGCCGGGCCCGCTCGCCGGCCTGCCAACGAGCCGGGCAGCCTCAACCC[CG>C]GGCAGAGCCACGCACTGCAAGCGGCCACCAGGCGGGCGCCGCCAGCATGCAGGGATCCCA-3'

ClinVar aggregate classification (germline): Pathogenic (1 of 4 stars; one submission).

Conditions:
3-methylglutaconic aciduria type 1 (MGCA1). Identifiers: Orphanet 67046, MedGen C0342727, MONDO:0009610, OMIM 250950.

Submission:

Labcorp Genetics (formerly Invitae), Labcorp
Classification: Pathogenic for 3-methylglutaconic aciduria type 1. Last evaluated: 2024-05-23. Review status: criteria provided, single submitter. Criteria: Invitae Variant Classification Sherloc (09022015). Collection method: clinical testing. Allele origin: germline.
Comment: This sequence change creates a premature translational stop signal (p.Pro32Argfs*3) in the AUH gene. It is expected to result in an absent or disrupted protein product. Loss-of-function variants in AUH are known to be pathogenic (PMID: 12655555, 20882351). This variant is present in population databases (no rsID available, gnomAD 0.01%). This variant has not been reported in the literature in individuals affected with AUH-related conditions. For these reasons, this variant has been classified as Pathogenic.

Literature cited by the submitters: PubMed 12655555; PubMed 20882351.